The following is an entry in ClinVar:

NM_000135.4(FANCA):c.1483C>T (p.His495Tyr)

Gene: FANCA (FA complementation group A; minus strand). Cytogenetic location: 16q24.3.
Variant type: single nucleotide variant.
Coding change: c.1483C>T on transcript NM_000135.4 (MANE Select); coding-DNA position 1483, C replaced by T.
Protein change: p.His495Tyr; replaces histidine 495 with tyrosine.
Molecular consequence: missense variant.
Genome position (GRCh38, 1-based): chr16:89,783,090, G>A on the plus strand (C>T on the coding strand, the complement: FANCA is on the minus strand). VCF-style: chr16-89783090-G-A. GRCh37 (hg19) VCF-style: chr16-89849498-G-A.
Other names: c.1483C>T, p.His495Tyr (NM_001286167.3); short protein forms H495Y.
Identifiers: ClinVar variation 2082089 (VCV002082089.5), dbSNP rs2039776549, ClinGen allele CA397458242.
Genomic context (GRCh38, chr16:89,783,090, plus strand): 5'-TGGCCAATGAGATGTAGTCTGTGAGGAGGGAGCGGTACTTGCCGGGAACCAGGGGTGGGT[G>A]GAGAATGTGCACCTGAGGATAGATAGCAGAGCGCAGCACCGTTAGTCTGGGAACTGCCTG-3'
Protein context (NP_000126.2, residues 485-505): SPRYLQVHIL[His495Tyr]PPLVPGKYRS

ClinVar aggregate classification (germline): Uncertain significance. Review status: criteria provided, multiple submitters, no conflicts (2 of 4 stars). 2 submissions from 2 submitters: Uncertain significance (2). Last evaluated 2025-05-11.

Conditions:
Inborn genetic diseases. Identifiers: MedGen C0950123, MeSH D030342.
Fanconi anemia (FA). Also called: Fanconi's anemia. Identifiers: Orphanet 84, MedGen C0015625, MeSH D005199, MONDO:0019391.

Allele frequency attached by ClinVar (database versions not stated): gnomAD exomes below 0.00001; gnomAD 0.00001.
gnomAD v4.1: 4 of 1,613,064 alleles (0.00025%); highest among the groups gnomAD compares: South Asian, 0.0022%; no homozygotes.

Submissions (2):

Ambry Genetics
Classification: Uncertain significance for Inborn genetic diseases. Last evaluated: 2025-05-11. Review status: criteria provided, single submitter. Criteria: Ambry Variant Classification Scheme 2023. Collection method: clinical testing. Allele origin: germline.
Comment: The p.H495Y variant (also known as c.1483C>T), located in coding exon 16 of the FANCA gene, results from a C to T substitution at nucleotide position 1483. The histidine at codon 495 is replaced by tyrosine, an amino acid with similar properties. This amino acid position is conserved. In addition, the in silico prediction for this alteration is inconclusive. Based on the available evidence, the clinical significance of this variant remains unclear.

Labcorp Genetics (formerly Invitae), Labcorp
Classification: Uncertain significance for Fanconi anemia. Last evaluated: 2022-06-22. Review status: criteria provided, single submitter. Criteria: Invitae Variant Classification Sherloc (09022015). Collection method: clinical testing. Allele origin: germline.
Comment: In summary, the available evidence is currently insufficient to determine the role of this variant in disease. Therefore, it has been classified as a Variant of Uncertain Significance. Advanced modeling of protein sequence and biophysical properties (such as structural, functional, and spatial information, amino acid conservation, physicochemical variation, residue mobility, and thermodynamic stability) performed at Invitae indicates that this missense variant is not expected to disrupt FANCA protein function. This variant has not been reported in the literature in individuals affected with FANCA-related conditions. This variant is not present in population databases (gnomAD no frequency). This sequence change replaces histidine, which is basic and polar, with tyrosine, which is neutral and polar, at codon 495 of the FANCA protein (p.His495Tyr).